The following is an entry in ClinVar:

ClinVar aggregate classification (germline): Conflicting classifications of pathogenicity. Review status: criteria provided, conflicting classifications (1 of 4 stars). 7 submissions from 7 submitters: Uncertain significance (2); Likely benign (5). Last evaluated 2026-09-01.

Conditions:
MYBPC3-related disorder. Also called: MYBPC3-related disorders; MYBPC3-related condition; MYBPC3-related disease.
Cardiovascular phenotype. Identifiers: MedGen CN230736.
Cardiomyopathy (CMYO). Also called: Cardiomyopathies. Identifiers: Orphanet 167848, MedGen C0878544, MONDO:0004994, HP:0001638. Inheritance: Various modes of inheritance.
Hypertrophic cardiomyopathy. Also called: HYPERTROPHIC MYOCARDIOPATHY. Identifiers: Orphanet 217569, MedGen C0007194, MeSH D002312, MONDO:0005045, HP:0001639.

Allele frequency attached by ClinVar (database versions not stated): gnomAD 0.00008 and 0.00009; gnomAD exomes 0.00009 and 0.00027; TOPMed 0.00009; ExAC 0.00013; ESP Exome Variant Server 0.00016.
gnomAD v4.1: 397 of 1,610,176 alleles (0.025%); highest among the groups gnomAD compares: Non-Finnish European, 0.033%; no homozygotes.

Submissions (7):

PreventionGenetics, part of Exact Sciences
Classification: Likely benign for MYBPC3-related condition. Last evaluated: 2026-09-01. Review status: criteria provided, single submitter. Criteria: ACMG Guidelines, 2015. Collection method: clinical testing. Allele origin: germline.
Comment: This variant is classified as likely benign based on ACMG/AMP sequence variant interpretation guidelines (Richards et al. 2015 PMID: 25741868, with internal and published modifications).

Labcorp Genetics (formerly Invitae), Labcorp
Classification: Likely benign for Hypertrophic cardiomyopathy. Last evaluated: 2026-01-14. Review status: criteria provided, single submitter. Criteria: Invitae Variant Classification Sherloc (09022015). Collection method: clinical testing. Allele origin: germline.

Color Diagnostics, LLC DBA Color Health
Classification: Likely benign for Cardiomyopathy. Last evaluated: 2025-11-26. Review status: criteria provided, single submitter. Criteria: ACMG Guidelines, 2015. Collection method: clinical testing. Allele origin: germline.

Ambry Genetics
Classification: Likely benign for Cardiovascular phenotype. Last evaluated: 2024-03-12. Review status: criteria provided, single submitter. Criteria: Ambry Variant Classification Scheme 2023. Collection method: clinical testing. Allele origin: germline.

Blueprint Genetics
Classification: Likely benign. Last evaluated: 2022-12-30. Review status: criteria provided, single submitter. Criteria: ACMG Guidelines, 2015. Collection method: clinical testing. Allele origin: germline.

GeneDx
Classification: Uncertain significance. Last evaluated: 2018-05-23. Review status: criteria provided, single submitter. Criteria: GeneDx Variant Classification (06012015). Collection method: clinical testing. Allele origin: germline. Affected: yes.
Comment: A variant of uncertain significance has been identified in the MYBPC3 gene. The E1128D variant has not been published as pathogenic or been reported as benign to our knowledge. This variant is observed in 21/123466 (0.02%) alleles from individuals of European (non-Finnish) ancestry in large population cohorts (Lek et al., 2016). The E1128D variant is a conservative amino acid substitution, which is not likely to impact secondary protein structure as these residues share similar properties. Finally, in-silico analyses, including protein predictors and evolutionary conservation, support that this variant does not alter protein structure/function. Therefore, based on the currently available information, it is unclear whether this variant is pathogenic or rare benign.

Laboratory for Molecular Medicine, Mass General Brigham Personalized Medicine
Classification: Uncertain significance. Last evaluated: 2018-05-18. Review status: criteria provided, single submitter. Criteria: LMM Criteria. Collection method: clinical testing. Allele origin: germline. Observed: 2 variant alleles.
Comment: Variant classified as Uncertain Significance - Favor Benign. It has been reported in ClinVar (Va riant ID:42710). Computational prediction tools and conservation analysis sugges t that the p.Glu1128Asp variant may not impact the protein, though this informat ion is not predictive enough to rule out pathogenicity. In summary, while the c linical significance of the p.Glu1128Asp variant is uncertain, these data sugges t that it is more likely to be benign. ACMG/AMP criteria applied: BP4.

Literature cited by the submitters: PubMed 22958901 (cited by Ambry Genetics); PubMed 25611685 (cited by Ambry Genetics); PubMed 27930701 (cited by Ambry Genetics); PubMed 32841044 (cited by Ambry Genetics).

NM_000256.3(MYBPC3):c.3384G>C (p.Glu1128Asp)

Gene: MYBPC3 (myosin binding protein C3; minus strand). Cytogenetic location: 11p11.2.
Variant type: single nucleotide variant.
Coding change: c.3384G>C on transcript NM_000256.3 (MANE Select); coding-DNA position 3384, G replaced by C.
Protein change: p.Glu1128Asp; replaces glutamic acid 1128 with aspartic acid.
Molecular consequence: missense variant.
Genome position (GRCh38, 1-based): chr11:47,332,920, C>G on the plus strand (G>C on the coding strand, the complement: MYBPC3 is on the minus strand). VCF-style: chr11-47332920-C-G. GRCh37 (hg19) VCF-style: chr11-47354471-C-G.
Other names: p.E1128D:GAG>GAC; short protein forms E1128D.
Identifiers: ClinVar variation 42710 (VCV000042710.23), dbSNP rs375116558, ClinGen allele CA014054.